The following is an entry in ClinVar:

ClinVar aggregate classification (germline): Pathogenic (1 of 4 stars; one submission).

Conditions:
Hereditary breast ovarian cancer syndrome. Also called: Breast and ovarian cancer; BRCA1- and BRCA2-Associated Hereditary Breast and Ovarian Cancer; Hereditary breast and ovarian cancer syndrome; Hereditary breast and/or ovarian cancer syndrome; Hereditary breast and ovarian cancer; Hereditary breast and ovarian cancer syndrome (HBOC). Identifiers: Orphanet 145, MedGen C0677776, MeSH D061325, MONDO:0003582. Disease mechanism: loss of function.

Submission:

Labcorp Genetics (formerly Invitae), Labcorp
Classification: Pathogenic for Hereditary breast ovarian cancer syndrome. Last evaluated: 2022-10-04. Review status: criteria provided, single submitter. Criteria: Invitae Variant Classification Sherloc (09022015). Collection method: clinical testing. Allele origin: germline.
Comment: This variant is a gross deletion of the genomic region encompassing exon(s) 16-19 of the BRCA1 gene. This variant would be expected to be in-frame, preserving the integrity of the reading frame. A similar copy number variant has been observed in individual(s) with breast and/or ovarian cancer (PMID: 19353265). This variant is also known as c.4987_5277del. This variant disrupts the BRCT domain, which is important for DNA repair activity (PMID: 11573086, 14576433, 15133503, 25652403). While functional studies have not been performed to directly test the effect of this variant on BRCA1 protein function, this suggests that disruption of this region of the protein is causative of disease. This variant disrupts a region of the BRCA1 protein in which other variant(s) (p.Ser1715Arg, p.Ser1715Asn) have been determined to be pathogenic (PMID: 11157798, 14534301, 15172985, 16528612, 17924331, 20516115, 30209399). This suggests that this is a clinically significant region of the protein, and that variants that disrupt it are likely to be disease-causing. For these reasons, this variant has been classified as Pathogenic.

Literature cited by the submitters: PubMed 19353265; PubMed 11573086; PubMed 14576433; PubMed 15133503; PubMed 25652403; PubMed 11157798; PubMed 14534301; PubMed 15172985; PubMed 16528612; PubMed 17924331; PubMed 20516115; PubMed 30209399.

NC_000017.10:g.(?_41209048)_(41219732_?)del

Gene: BRCA1 (BRCA1 DNA repair associated; minus strand). Cytogenetic location: 17q21.31.
Variant type: Deletion.
Identifiers: ClinVar variation 1069177 (VCV001069177.2).